The following is an entry in ClinVar:

NM_199242.3(UNC13D):c.1487A>G (p.Gln496Arg)

Gene: UNC13D (unc-13 homolog D; minus strand). Cytogenetic location: 17q25.1.
Variant type: single nucleotide variant.
Coding change: c.1487A>G on transcript NM_199242.3 (MANE Select); coding-DNA position 1487, A replaced by G.
Protein change: p.Gln496Arg; replaces glutamine 496 with arginine.
Molecular consequence: missense variant.
Genome position (GRCh38, 1-based): chr17:75,836,069, T>C on the plus strand (A>G on the coding strand, the complement: UNC13D is on the minus strand). VCF-style: chr17-75836069-T-C. GRCh37 (hg19) VCF-style: chr17-73832150-T-C.
Other names: short protein forms Q496R.
Identifiers: ClinVar variation 1476193 (VCV001476193.4), dbSNP rs2143880587, ClinGen allele CA401097801.

ClinVar aggregate classification (germline): Uncertain significance (1 of 4 stars; one submission).

Conditions:
Familial hemophagocytic lymphohistiocytosis 3 (FHL3). Also called: UNC13D-Related Familial Hemophagocytic Lymphohistiocytosis (UNC13D-fHLH). Identifiers: Orphanet 540, MedGen C1837174, MONDO:0012146, OMIM 608898.

Allele frequency attached by ClinVar (database versions not stated): gnomAD exomes below 0.00001.
gnomAD v4.1: 1 of 1,613,820 alleles (0.000062%); highest among the groups gnomAD compares: Non-Finnish European, 0.000085%; no homozygotes.

Submission:

Labcorp Genetics (formerly Invitae), Labcorp
Classification: Uncertain significance for Familial hemophagocytic lymphohistiocytosis 3. Last evaluated: 2022-04-23. Review status: criteria provided, single submitter. Criteria: Invitae Variant Classification Sherloc (09022015). Collection method: clinical testing. Allele origin: germline.
Comment: In summary, the available evidence is currently insufficient to determine the role of this variant in disease. Therefore, it has been classified as a Variant of Uncertain Significance. Algorithms developed to predict the effect of sequence changes on RNA splicing suggest that this variant may create or strengthen a splice site. Algorithms developed to predict the effect of missense changes on protein structure and function are either unavailable or do not agree on the potential impact of this missense change (SIFT: "Not Available"; PolyPhen-2: "Benign"; Align-GVGD: "Not Available"). This variant has not been reported in the literature in individuals affected with UNC13D-related conditions. This variant is not present in population databases (gnomAD no frequency). This sequence change replaces glutamine, which is neutral and polar, with arginine, which is basic and polar, at codon 496 of the UNC13D protein (p.Gln496Arg).